The following is an entry in ClinVar:

NM_001999.4(FBN2):c.6757+1G>A

Gene: FBN2 (fibrillin 2; minus strand). Cytogenetic location: 5q23.3.
Variant type: single nucleotide variant.
Coding change: c.6757+1G>A on transcript NM_001999.4 (MANE Select); the canonical splice donor site of the intron after coding-DNA position 6757, G replaced by A.
Molecular consequence: splice donor variant.
Genome position (GRCh38, 1-based): chr5:128,288,437, C>T on the plus strand (G>A on the coding strand, the complement: FBN2 is on the minus strand). VCF-style: chr5-128288437-C-T. GRCh37 (hg19) VCF-style: chr5-127624129-C-T.
Identifiers: ClinVar variation 2507336 (VCV002507336.1), dbSNP rs2479675745, ClinGen allele CA360760333.
Genomic context (GRCh38, chr5:128,288,437, plus strand): 5'-AGACATTAAAAAACACTTTCTATGTCAAGAAGAAATAATATTTAAGACAAAGATCACTTG[C>T]CTTCACAATTCATCATGGGCCCTGGCTCAAAGCCTTCATTGCAATTGCATTCAAAACTCC-3'

ClinVar aggregate classification (germline): Uncertain significance (1 of 4 stars; one submission).

Submission:

GeneDx
Classification: Uncertain significance. Last evaluated: 2022-12-30. Review status: criteria provided, single submitter. Criteria: GeneDx Variant Classification Process June 2021. Collection method: clinical testing. Allele origin: germline. Affected: yes.
Comment: Not observed at significant frequency in large population cohorts (gnomAD); Canonical splice site variant in a gene or region of a gene for which loss of function is not a well-established mechanism of disease; Has not been previously published as pathogenic or benign to our knowledge